The following is an entry in ClinVar:

ClinVar aggregate classification (germline): Uncertain significance (1 of 4 stars; one submission).

Conditions:
Hereditary cancer-predisposing syndrome. Also called: Hereditary neoplastic syndrome; Tumor predisposition; Hereditary Cancer Syndrome; Neoplastic Syndromes, Hereditary. Identifiers: Orphanet 140162, MedGen C0027672, MeSH D009386, MONDO:0015356.

Submission:

Ambry Genetics
Classification: Uncertain significance for Hereditary cancer-predisposing syndrome. Last evaluated: 2023-09-11. Review status: criteria provided, single submitter. Criteria: Ambry Variant Classification Scheme 2023. Collection method: clinical testing. Allele origin: germline.
Comment: The p.S378T variant (also known as c.1133G>C), located in coding exon 9 of the BRCA1 gene, results from a G to C substitution at nucleotide position 1133. The serine at codon 378 is replaced by threonine, an amino acid with similar properties. This amino acid position is highly conserved in available vertebrate species. In addition, this alteration is predicted to be deleterious by in silico analysis. Since supporting evidence is limited at this time, the clinical significance of this alteration remains unclear.

NM_007294.4(BRCA1):c.1133G>C (p.Ser378Thr)

Gene: BRCA1 (BRCA1 DNA repair associated; minus strand). Cytogenetic location: 17q21.31.
Variant type: single nucleotide variant.
Coding change: c.1133G>C on transcript NM_007294.4 (MANE Select); coding-DNA position 1133, G replaced by C.
Protein change: p.Ser378Thr; replaces serine 378 with threonine.
Molecular consequence: missense variant. On other transcripts: intron variant (137).
Genome position (GRCh38, 1-based): chr17:43,094,398, C>G on the plus strand (G>C on the coding strand, the complement: BRCA1 is on the minus strand). VCF-style: chr17-43094398-C-G. GRCh37 (hg19) VCF-style: chr17-41246415-C-G.
Other names: c.923G>C, p.Ser308Thr (NM_001407884.1, NM_001407885.1, NM_001407886.1 and 13 more transcripts); c.920G>C, p.Ser307Thr (NM_001407894.1, NM_001407895.1, NM_001407896.1 and 9 more transcripts); c.1010G>C, p.Ser337Thr (NM_001407919.1, NM_001407937.1, NM_001407938.1 and 19 more transcripts); c.869G>C, p.Ser290Thr (NM_001407920.1, NM_001407921.1, NM_001407922.1 and 9 more transcripts); c.866G>C, p.Ser289Thr (NM_001407930.1, NM_001407931.1, NM_001407932.1 and 2 more transcripts); c.1007G>C, p.Ser336Thr (NM_001407940.1, NM_001407941.1, NM_001407649.1 and 11 more transcripts); c.992G>C, p.Ser331Thr (NM_001407942.1, NM_001407944.1, NM_001407945.1 and 29 more transcripts); c.989G>C, p.Ser330Thr (NM_001407943.1, NM_001407964.1, NM_001407740.1 and 20 more transcripts); and 40 more; short protein forms S251T, S290T, S336T, S337T, S352T, S375T, S210T, S267T.
Identifiers: ClinVar variation 2585853 (VCV002585853.2), dbSNP rs763351631, ClinGen allele CA10599791.